The following is an entry in ClinVar:

ClinVar aggregate classification (germline): Likely benign. Review status: criteria provided, multiple submitters, no conflicts (2 of 4 stars). 4 submissions from 4 submitters: Likely benign (4). Last evaluated 2025-11-09.

Conditions:
TTN-related disorder. Also called: TTN-related condition; TTN-related disease; TTN-related disorders.
Cardiomyopathy (CMYO). Also called: Cardiomyopathies. Identifiers: Orphanet 167848, MedGen C0878544, MONDO:0004994, HP:0001638. Inheritance: Various modes of inheritance.
Cardiovascular phenotype. Identifiers: MedGen CN230736.
Autosomal recessive limb-girdle muscular dystrophy type 2J (LGMDR10). Also called: Limb-girdle muscular dystrophy, type 2J; MUSCULAR DYSTROPHY, LIMB-GIRDLE, AUTOSOMAL RECESSIVE 10. Identifiers: Orphanet 140922, MedGen C1837342, MONDO:0012127, OMIM 608807.
Dilated cardiomyopathy 1G (CMD1G). Identifiers: Orphanet 154, MedGen C1858763, MONDO:0011400, OMIM 604145.

Allele frequency attached by ClinVar (database versions not stated): ExAC 0.00001; gnomAD 0.00001; gnomAD exomes 0.00001; 1000 Genomes Project 30x 0.00016; 1000 Genomes Project 0.00020.
gnomAD v4.1: 26 of 1,613,846 alleles (0.0016%); highest among the groups gnomAD compares: Non-Finnish European, 0.002%; no homozygotes.

Submissions (4):

Labcorp Genetics (formerly Invitae), Labcorp
Classification: Likely benign for Dilated cardiomyopathy 1G; Autosomal recessive limb-girdle muscular dystrophy type 2J. Last evaluated: 2025-11-09. Review status: criteria provided, single submitter. Criteria: Invitae Variant Classification Sherloc (09022015). Collection method: clinical testing. Allele origin: germline.

PreventionGenetics, part of Exact Sciences
Classification: Likely benign for TTN-related condition. Last evaluated: 2025-03-27. Review status: criteria provided, single submitter. Criteria: ACMG Guidelines, 2015. Collection method: clinical testing. Allele origin: germline.
Comment: This variant is classified as likely benign based on ACMG/AMP sequence variant interpretation guidelines (Richards et al. 2015 PMID: 25741868, with internal and published modifications).

Ambry Genetics
Classification: Likely benign for Cardiovascular phenotype. Last evaluated: 2024-06-28. Review status: criteria provided, single submitter. Criteria: Ambry Variant Classification Scheme 2023. Collection method: clinical testing. Allele origin: germline.

CHEO Genetics Diagnostic Laboratory, Children's Hospital of Eastern Ontario
Classification: Likely benign for Cardiomyopathy. Last evaluated: 2021-10-08. Review status: criteria provided, single submitter. Criteria: ACMG Guidelines, 2015. Collection method: clinical testing. Allele origin: germline.

NM_001267550.2(TTN):c.6864C>T (p.Cys2288=)

Genes: TTN (titin; minus strand), LOC126806433 (BRD4-independent group 4 enhancer GRCh37_chr2:179638309-179639508; plus strand). Cytogenetic location: 2q31.2.
Variant type: single nucleotide variant.
Coding change: c.6864C>T on transcript NM_001267550.2 (MANE Select); coding-DNA position 6864, C replaced by T.
Protein change: p.Cys2288=; no amino-acid change (cysteine 2288 retained).
Molecular consequence: synonymous variant.
Genome position (GRCh38, 1-based): chr2:178,774,400, G>A on the plus strand (C>T on the coding strand, the complement: TTN is on the minus strand). VCF-style: chr2-178774400-G-A. GRCh37 (hg19) VCF-style: chr2-179639127-G-A.
Other names: c.6864C>T, p.Cys2288= (NM_001256850.1, NM_133378.4, NM_133379.5); c.6726C>T, p.Cys2242= (NM_003319.4, NM_133432.3, NM_133437.4).
Identifiers: ClinVar variation 1104570 (VCV001104570.12), dbSNP rs543264216, ClinGen allele CA2004947.